The following is an entry in ClinVar:

NM_002439.5(MSH3):c.790G>T (p.Glu264Ter)

Gene: MSH3 (mutS homolog 3; plus strand). Cytogenetic location: 5q14.1.
Variant type: single nucleotide variant.
Coding change: c.790G>T on transcript NM_002439.5 (MANE Select); coding-DNA position 790, G replaced by T.
Protein change: p.Glu264Ter; replaces glutamic acid 264 with a stop codon.
Molecular consequence: nonsense.
Genome position (GRCh38, 1-based): chr5:80,670,307, G>T. VCF-style: chr5-80670307-G-T. GRCh37 (hg19) VCF-style: chr5-79966126-G-T.
Other names: short protein forms E264*.
Identifiers: ClinVar variation 841131 (VCV000841131.13), dbSNP rs766997264, ClinGen allele CA3327696.

ClinVar aggregate classification (germline): Pathogenic/Likely pathogenic. Review status: criteria provided, multiple submitters, no conflicts (2 of 4 stars). 4 submissions from 4 submitters: Pathogenic (3); Likely pathogenic (1). Last evaluated 2025-10-30.

Conditions:
Familial adenomatous polyposis 4 (FAP4). Also called: MSH3-related attenuated familial adenomatous polyposis. Identifiers: Orphanet 480536, MedGen C4310719, MONDO:0044300, OMIM 617100.
Hereditary cancer-predisposing syndrome. Also called: Hereditary Cancer Syndrome; Hereditary neoplastic syndrome; Tumor predisposition; Neoplastic Syndromes, Hereditary. Identifiers: Orphanet 140162, MedGen C0027672, MeSH D009386, MONDO:0015356.
Endometrial carcinoma. Also called: Endometrial carcinoma, somatic. Identifiers: MedGen C0476089, MONDO:0002447, OMIM 608089, HP:0012114.

Allele frequency attached by ClinVar (database versions not stated): gnomAD exomes below 0.00001; ExAC 0.00001.
gnomAD v4.1: 7 of 1,613,922 alleles (0.00043%); highest among the groups gnomAD compares: Non-Finnish European, 0.00042%; no homozygotes.

Submissions (4):

Labcorp Genetics (formerly Invitae), Labcorp
Classification: Pathogenic. Last evaluated: 2025-10-30. Review status: criteria provided, single submitter. Criteria: Invitae Variant Classification Sherloc (09022015). Collection method: clinical testing. Allele origin: germline.
Comment: This sequence change creates a premature translational stop signal (p.Glu264*) in the MSH3 gene. It is expected to result in an absent or disrupted protein product. Loss-of-function variants in MSH3 are known to be pathogenic (PMID: 27476653, 37402566). This variant is present in population databases (rs766997264, gnomAD no frequency). This variant has not been reported in the literature in individuals affected with MSH3-related conditions. ClinVar contains an entry for this variant (Variation ID: 841131). For these reasons, this variant has been classified as Pathogenic.

Ambry Genetics
Classification: Pathogenic for Hereditary cancer-predisposing syndrome. Last evaluated: 2024-08-05. Review status: criteria provided, single submitter. Criteria: Ambry Variant Classification Scheme 2023. Collection method: clinical testing. Allele origin: germline.
Comment: The p.E264* pathogenic mutation (also known as c.790G>T), located in coding exon 4 of the MSH3 gene, results from a G to T substitution at nucleotide position 790. This changes the amino acid from a glutamic acid to a stop codon within coding exon 4. This variant is considered to be rare based on population cohorts in the Genome Aggregation Database (gnomAD). This alteration is expected to result in loss of function by premature protein truncation or nonsense-mediated mRNA decay. As such, this alteration is interpreted as a disease-causing mutation.

Myriad Genetics, Inc.
Classification: Pathogenic for Familial adenomatous polyposis 4. Last evaluated: 2023-08-29. Review status: criteria provided, single submitter. Criteria: Myriad Autosomal Dominant, Autosomal Recessive and X-Linked Classification Criteria (2023). Collection method: clinical testing. Allele origin: unknown.
Comment: This variant is considered pathogenic. This variant creates a termination codon and is predicted to result in premature protein truncation.

Baylor Genetics
Classification: Likely pathogenic for Endometrial carcinoma. Last evaluated: 2022-04-01. Review status: criteria provided, single submitter. Criteria: ACMG Guidelines, 2015. Collection method: clinical testing. Allele origin: unknown.

Literature cited by the submitters: PubMed 27476653 (cited by Labcorp Genetics (formerly Invitae), Labcorp); PubMed 37402566 (cited by Labcorp Genetics (formerly Invitae), Labcorp).